The following is an entry in ClinVar:

NM_000540.3(RYR1):c.14706C>T (p.Ile4902=)

Gene: RYR1 (ryanodine receptor 1; plus strand). Cytogenetic location: 19q13.2.
Variant type: single nucleotide variant.
Coding change: c.14706C>T on transcript NM_000540.3 (MANE Select); coding-DNA position 14706, C replaced by T.
Protein change: p.Ile4902=; no amino-acid change (isoleucine 4902 retained).
Molecular consequence: synonymous variant.
Genome position (GRCh38, 1-based): chr19:38,585,002, C>T. VCF-style: chr19-38585002-C-T. GRCh37 (hg19) VCF-style: chr19-39075642-C-T.
Other names: c.14691C>T, p.Ile4897= (NM_001042723.2).
Identifiers: ClinVar variation 329139 (VCV000329139.16), dbSNP rs886054411, ClinGen allele CA10642775.

ClinVar aggregate classification (germline): Conflicting classifications of pathogenicity. Review status: criteria provided, conflicting classifications (1 of 4 stars). 6 submissions from 4 submitters: Uncertain significance (3); Likely benign (3). Last evaluated 2025-07-05.

Conditions:
RYR1-related disorder. Also called: RYR1-related condition; RYR1-related disorders. Identifiers: MedGen CN239331.
Congenital multicore myopathy with external ophthalmoplegia (CMYO1B). Also called: MULTICORE MYOPATHY; Minicore myopathy with external ophthalmoplegia; Congenital myopathy 1B, autosomal recessive; Minicore myopathy; MULTIMINICORE DISEASE WITH EXTERNAL OPHTHALMOPLEGIA. Identifiers: Orphanet 598, Orphanet 98905, MedGen C1850674, MONDO:0009712, OMIM 255320, HP:0003789.
Malignant hyperthermia, susceptibility to, 1 (MHS1). Also called: Anesthesia related hyperthermia; Malignant hyperpyrexia; Fulminating hyperpyrexia; Pharmacogenic myopathy; RYR1-Related Malignant Hyperthermia Susceptibility; Malignant hyperthermia suceptibility 1. Identifiers: Orphanet 423, MedGen C2930980, MONDO:0007783, OMIM 145600.
Central core myopathy (CMYO1A). Also called: Central core disease; Myopathy, central fibrillar; CONGENITAL MYOPATHY 1A, AUTOSOMAL DOMINANT, WITH SUSCEPTIBILITY TO MALIGNANT HYPERTHERMIA. Identifiers: Orphanet 597, MedGen C5830701, MONDO:0007294, OMIM 117000.

Allele frequency attached by ClinVar (database versions not stated): gnomAD 0.00001; gnomAD exomes 0.00001; TOPMed 0.00002.
gnomAD v4.1: 19 of 1,613,918 alleles (0.0012%); highest among the groups gnomAD compares: Admixed American, 0.0017%; no homozygotes.

Submissions (6):

Labcorp Genetics (formerly Invitae), Labcorp
Classification: Likely benign for RYR1-related disorder. Last evaluated: 2025-07-05. Review status: criteria provided, single submitter. Criteria: Invitae Variant Classification Sherloc (09022015). Collection method: clinical testing. Allele origin: germline.

All of Us Research Program, National Institutes of Health
Classification: Likely benign for Malignant hyperthermia, susceptibility to, 1. Last evaluated: 2023-12-13. Review status: criteria provided, single submitter. Criteria: ACMG Guidelines, 2015. Collection method: clinical testing. Allele origin: germline. Inheritance: Autosomal dominant inheritance. Observed: 5 variant alleles, 5 heterozygotes.
Comment: This study involves interpretation of variants in research participants for the purpose of population health screening. Participant phenotype was not available at the time of variant classification. Additional details can be found in publication PMID: 35346344, PMCID: PMC8962531

Color Diagnostics, LLC DBA Color Health
Classification: Likely benign for Malignant hyperthermia, susceptibility to, 1. Last evaluated: 2023-05-03. Review status: criteria provided, single submitter. Criteria: ACMG Guidelines, 2015. Collection method: clinical testing. Allele origin: germline.

Illumina Laboratory Services, Illumina
Classification: Uncertain significance for Congenital multicore myopathy with external ophthalmoplegia. Last evaluated: 2018-01-13. Review status: criteria provided, single submitter. Criteria: ICSL Variant Classification Criteria 13 December 2019. Collection method: clinical testing. Allele origin: germline.

Illumina Laboratory Services, Illumina
Classification: Uncertain significance for Central core myopathy. Last evaluated: 2018-01-13. Review status: criteria provided, single submitter. Criteria: ICSL Variant Classification Criteria 13 December 2019. Collection method: clinical testing. Allele origin: germline.

Illumina Laboratory Services, Illumina
Classification: Uncertain significance for Malignant hyperthermia, susceptibility to, 1. Last evaluated: 2018-01-13. Review status: criteria provided, single submitter. Criteria: ICSL Variant Classification Criteria 13 December 2019. Collection method: clinical testing. Allele origin: germline.